The following is an entry in ClinVar:

NM_000701.8(ATP1A1):c.2984C>G (p.Ser995Cys)

Genes: ATP1A1 (ATPase Na+/K+ transporting subunit alpha 1; plus strand), ATP1A1-AS1 (ATP1A1 antisense RNA 1; minus strand). Cytogenetic location: 1p13.1.
Variant type: single nucleotide variant.
Coding change: c.2984C>G on transcript NM_000701.8 (MANE Select); coding-DNA position 2984, C replaced by G.
Protein change: p.Ser995Cys; replaces serine 995 with cysteine.
Molecular consequence: missense variant.
Genome position (GRCh38, 1-based): chr1:116,403,916, C>G. VCF-style: chr1-116403916-C-G. GRCh37 (hg19) VCF-style: chr1-116946538-C-G.
Other names: c.2984C>G, p.Ser995Cys (NM_001160233.2); c.2891C>G, p.Ser964Cys (NM_001160234.2); short protein forms S964C, S995C.
Identifiers: ClinVar variation 2878651 (VCV002878651.3), dbSNP rs1272955218, ClinGen allele CA341777369.

ClinVar aggregate classification (germline): Uncertain significance (1 of 4 stars; one submission).

Allele frequency attached by ClinVar (database versions not stated): gnomAD 0.00001; TOPMed 0.00002.
gnomAD v4.1: 3 of 1,614,128 alleles (0.00019%); highest among the groups gnomAD compares: African/African-American, 0.0027%; no homozygotes.

Submission:

Labcorp Genetics (formerly Invitae), Labcorp
Classification: Uncertain significance. Last evaluated: 2024-01-22. Review status: criteria provided, single submitter. Criteria: Invitae Variant Classification Sherloc (09022015). Collection method: clinical testing. Allele origin: germline.
Comment: This sequence change replaces serine, which is neutral and polar, with cysteine, which is neutral and slightly polar, at codon 995 of the ATP1A1 protein (p.Ser995Cys). This variant is present in population databases (no rsID available, gnomAD 0.01%). This variant has not been reported in the literature in individuals affected with ATP1A1-related conditions. Advanced modeling of protein sequence and biophysical properties (such as structural, functional, and spatial information, amino acid conservation, physicochemical variation, residue mobility, and thermodynamic stability) performed at Invitae indicates that this missense variant is not expected to disrupt ATP1A1 protein function with a negative predictive value of 80%. In summary, the available evidence is currently insufficient to determine the role of this variant in disease. Therefore, it has been classified as a Variant of Uncertain Significance.